The following is an entry in ClinVar:

NM_000875.5(IGF1R):c.2202-16T>G

Gene: IGF1R (insulin like growth factor 1 receptor; plus strand). Cytogenetic location: 15q26.3.
Variant type: single nucleotide variant.
Coding change: c.2202-16T>G on transcript NM_000875.5 (MANE Select); 16 bases into the intron before coding-DNA position 2202, T replaced by G.
Molecular consequence: intron variant.
Genome position (GRCh38, 1-based): chr15:98,922,132, T>G. VCF-style: chr15-98922132-T-G. GRCh37 (hg19) VCF-style: chr15-99465361-T-G.
Other names: c.2202-16T>G (NM_001291858.2).
Identifiers: ClinVar variation 1206171 (VCV001206171.12), dbSNP rs187330252, ClinGen allele CA7752342.

ClinVar aggregate classification (germline): Likely benign. Review status: criteria provided, multiple submitters, no conflicts (2 of 4 stars). 7 submissions from 7 submitters: Likely benign (5). 2 of the submissions do not count toward it. Last evaluated 2026-01-27.

Conditions:
Growth delay due to insulin-like growth factor I resistance. Also called: Somatomedin end-organ insensitivity to; Somatomedin-c resistance to; IGF-1 resistance; Insulin-Like Growth Factor I Resistance; IGF-I RESISTANCE. Identifiers: Orphanet 73273, MedGen C1849157, MONDO:0010038, OMIM 270450.

Allele frequency attached by ClinVar (database versions not stated): ESP Exome Variant Server 0.00031; gnomAD exomes 0.00031 and 0.00041; ExAC 0.00036; gnomAD 0.00059 and 0.00061; 1000 Genomes Project 30x 0.00078; TOPMed 0.00094; 1000 Genomes Project 0.00100.
gnomAD v4.1: 570 of 1,614,052 alleles (0.035%); highest among the groups gnomAD compares: Middle Eastern, 0.45%; 2 homozygotes.

Submissions (8):

Labcorp Genetics (formerly Invitae), Labcorp
Classification: Likely benign. Last evaluated: 2026-01-27. Review status: criteria provided, single submitter. Criteria: Invitae Variant Classification Sherloc (09022015). Collection method: clinical testing. Allele origin: germline.

Blueprint Genetics
Classification: Likely benign. Last evaluated: 2024-10-24. Review status: criteria provided, single submitter. Criteria: ACMG Guidelines, 2015. Collection method: clinical testing. Allele origin: germline.

Women's Health and Genetics/Laboratory Corporation of America, LabCorp
Classification: Likely benign. Last evaluated: 2024-04-16. Review status: criteria provided, single submitter. Criteria: LabCorp Variant Classification Summary - May 2015. Collection method: clinical testing. Allele origin: germline.
Comment: Variant summary: IGF1R c.2202-16T>G alters a non-conserved nucleotide located at a position not widely known to affect splicing. Consensus agreement among computation tools predict no significant impact on normal splicing. However, these predictions have yet to be confirmed by functional studies. The variant allele was found at a frequency of 0.00041 in 251440 control chromosomes. To our knowledge, no occurrence of c.2202-16T>G in individuals affected with Growth Delay Due To Insulin-Like Growth Factor I Resistance and no experimental evidence demonstrating its impact on protein function have been reported. ClinVar contains an entry for this variant (Variation ID: 1206171). Based on the evidence outlined above, the variant was classified as likely benign.

Fulgent Genetics
Classification: Likely benign for Growth delay due to insulin-like growth factor I resistance. Last evaluated: 2022-05-18. Review status: criteria provided, single submitter. Criteria: ACMG Guidelines, 2015. Collection method: clinical testing. Allele origin: unknown.

Breakthrough Genomics
Classification: Likely benign. Review status: criteria provided, single submitter. Criteria: ACMG Guidelines, 2015. Collection method: not provided. Allele origin: germline. Inheritance: Autosomal dominant inheritance. Affected: yes.

Dr. Peter K. Rogan Lab, Western University
No classification provided (evidence only). Condition: Lung cancer. Review status: no classification provided. Collection method: in vitro. Allele origin: not applicable. Functional consequence: retained intron. Not counted in ClinVar's aggregate classification.

Genome Diagnostics Laboratory, University Medical Center Utrecht
Classification: Likely benign. Review status: no assertion criteria provided. Collection method: clinical testing. Allele origin: germline. Affected: yes. Study: VKGL Data-share Consensus. Not counted in ClinVar's aggregate classification.

Laboratory of Diagnostic Genome Analysis, Leiden University Medical Center (LUMC)
Classification: Likely benign. Review status: no assertion criteria provided. Collection method: clinical testing. Allele origin: germline. Affected: yes. Study: VKGL Data-share Consensus. Not counted in ClinVar's aggregate classification.